The following is an entry in ClinVar:

NM_001366244.2(GOLGA2):c.2019C>T (p.Leu673=)

Gene: GOLGA2 (golgin A2; minus strand). Cytogenetic location: 9q34.11.
Variant type: single nucleotide variant.
Coding change: c.2019C>T on transcript NM_001366244.2 (MANE Select); coding-DNA position 2019, C replaced by T.
Protein change: p.Leu673=; no amino-acid change (leucine 673 retained).
Molecular consequence: synonymous variant.
Genome position (GRCh38, 1-based): chr9:128,259,245, G>A on the plus strand (C>T on the coding strand, the complement: GOLGA2 is on the minus strand). VCF-style: chr9-128259245-G-A. GRCh37 (hg19) VCF-style: chr9-131021524-G-A.
Other names: c.1938C>T, p.Leu646= (NM_001366246.2, NM_004486.6); c.2004C>T, p.Leu668= (NM_001389695.2); c.2001C>T, p.Leu667= (NM_001389696.2); c.1926C>T, p.Leu642= (NM_001389697.2); c.1920C>T, p.Leu640= (NM_001389698.2); c.1899C>T, p.Leu633= (NM_001389699.2, NM_001389700.2); c.1857C>T, p.Leu619= (NM_001389701.2); c.1833C>T, p.Leu611= (NM_001389702.2); and 3 more.
Identifiers: ClinVar variation 2659531 (VCV002659531.25), dbSNP rs139831210, ClinGen allele CA5258889.

ClinVar aggregate classification (germline): Likely benign. Review status: criteria provided, multiple submitters, no conflicts (2 of 4 stars). 2 submissions from 2 submitters: Likely benign (2). Last evaluated 2024-09-17.

Allele frequency attached by ClinVar (database versions not stated): ExAC 0.00016; gnomAD 0.00019; ESP Exome Variant Server 0.00023; TOPMed 0.00035.
gnomAD v4.1: 277 of 1,601,410 alleles (0.017%); highest among the groups gnomAD compares: Admixed American, 0.049%; no homozygotes.

Submissions (2):

Blueprint Genetics
Classification: Likely benign. Last evaluated: 2024-09-17. Review status: criteria provided, single submitter. Criteria: ACMG Guidelines, 2015. Collection method: clinical testing. Allele origin: germline.

CeGaT Center for Human Genetics Tuebingen
Classification: Likely benign. Last evaluated: 2023-01-01. Review status: criteria provided, single submitter. Criteria: CeGaT Center For Human Genetics Tuebingen Variant Classification Criteria Version 2. Collection method: clinical testing. Allele origin: germline. Affected: yes. Observed: 1 variant allele.
Comment: GOLGA2: BP4, BP7